The following is an entry in ClinVar:

ClinVar aggregate classification (germline): Conflicting classifications of pathogenicity. Review status: criteria provided, conflicting classifications (1 of 4 stars). 3 submissions from 3 submitters: Uncertain significance (2); Likely benign (1). Last evaluated 2025-10-13.

Allele frequency attached by ClinVar (database versions not stated): TOPMed below 0.00001; ExAC 0.00002; gnomAD 0.00002 and 0.00003; gnomAD exomes 0.00002; 1000 Genomes Project 30x 0.00016; 1000 Genomes Project 0.00020.
gnomAD v4.1: 37 of 1,613,924 alleles (0.0023%); highest among the groups gnomAD compares: South Asian, 0.011%; no homozygotes.

Submissions (3):

Labcorp Genetics (formerly Invitae), Labcorp
Classification: Likely benign. Last evaluated: 2025-10-13. Review status: criteria provided, single submitter. Criteria: Invitae Variant Classification Sherloc (09022015). Collection method: clinical testing. Allele origin: germline.

Women's Health and Genetics/Laboratory Corporation of America, LabCorp
Classification: Uncertain significance. Last evaluated: 2025-07-02. Review status: criteria provided, single submitter. Criteria: LabCorp Variant Classification Summary - May 2015. Collection method: clinical testing. Allele origin: germline.
Comment: Variant summary: KMT2C c.13789C>T (p.Arg4597Cys) results in a non-conservative amino acid change in the encoded protein sequence. Algorithms developed to predict the effect of missense changes on protein structure and function all suggest that this variant is likely to be disruptive. The variant allele was found at a frequency of 1.6e-05 in 251180 control chromosomes. The available data on variant occurrences in the general population are insufficient to allow any conclusion about variant significance. To our knowledge, no occurrence of c.13789C>T in individuals affected with Kleefstra Syndrome 2 and no experimental evidence demonstrating its impact on protein function have been reported. ClinVar contains an entry for this variant (Variation ID: 1176250). Based on the evidence outlined above, the variant was classified as uncertain significance.

CeGaT Center for Human Genetics Tuebingen
Classification: Uncertain significance. Last evaluated: 2021-03-01. Review status: criteria provided, single submitter. Criteria: CeGaT Center For Human Genetics Tuebingen Variant Classification Criteria Version 2. Collection method: clinical testing. Allele origin: germline. Affected: yes. Observed: 1 variant allele.

NM_170606.3(KMT2C):c.13789C>T (p.Arg4597Cys)

Gene: KMT2C (lysine methyltransferase 2C; minus strand). Cytogenetic location: 7q36.1.
Variant type: single nucleotide variant.
Coding change: c.13789C>T on transcript NM_170606.3 (MANE Select); coding-DNA position 13789, C replaced by T.
Protein change: p.Arg4597Cys; replaces arginine 4597 with cysteine.
Molecular consequence: missense variant.
Genome position (GRCh38, 1-based): chr7:152,148,138, G>A on the plus strand (C>T on the coding strand, the complement: KMT2C is on the minus strand). VCF-style: chr7-152148138-G-A. GRCh37 (hg19) VCF-style: chr7-151845223-G-A.
Other names: short protein forms R4597C.
Identifiers: ClinVar variation 1176250 (VCV001176250.41), dbSNP rs543734103, ClinGen allele CA4578590.